The following is an entry in ClinVar:

NM_001267550.2(TTN):c.67153C>T (p.Pro22385Ser)

Genes: TTN (titin; minus strand), TTN-AS1 (TTN antisense RNA 1; plus strand). Cytogenetic location: 2q31.2.
Variant type: single nucleotide variant.
Coding change: c.67153C>T on transcript NM_001267550.2 (MANE Select); coding-DNA position 67153, C replaced by T.
Protein change: p.Pro22385Ser; replaces proline 22385 with serine.
Molecular consequence: missense variant.
Genome position (GRCh38, 1-based): chr2:178,580,134, G>A on the plus strand (C>T on the coding strand, the complement: TTN is on the minus strand). VCF-style: chr2-178580134-G-A. GRCh37 (hg19) VCF-style: chr2-179444861-G-A.
Other names: p.P20744S:CCC>TCC; c.62230C>T, p.Pro20744Ser (NM_001256850.1); c.39958C>T, p.Pro13320Ser (NM_003319.4); c.59449C>T, p.Pro19817Ser (NM_133378.4); c.40333C>T, p.Pro13445Ser (NM_133432.3); c.40534C>T, p.Pro13512Ser (NM_133437.4); c.67153C>T (NM_001267550.1); short protein forms P20744S, P22385S, P19817S, P13512S, P13320S, P13445S.
Identifiers: ClinVar variation 202807 (VCV000202807.10), dbSNP rs781562260, ClinGen allele CA310349.

ClinVar aggregate classification (germline): Uncertain significance. Review status: criteria provided, multiple submitters, no conflicts (2 of 4 stars). 4 submissions from 4 submitters: Uncertain significance (4). Last evaluated 2024-10-23.

Conditions:
Dilated cardiomyopathy 1G (CMD1G). Identifiers: Orphanet 154, MedGen C1858763, MONDO:0011400, OMIM 604145.
Autosomal recessive limb-girdle muscular dystrophy type 2J (LGMDR10). Also called: MUSCULAR DYSTROPHY, LIMB-GIRDLE, AUTOSOMAL RECESSIVE 10; Limb-girdle muscular dystrophy, type 2J. Identifiers: Orphanet 140922, MedGen C1837342, MONDO:0012127, OMIM 608807.
Myopathy, myofibrillar, 9, with early respiratory failure (MFM9). Also called: EDSTROM MYOPATHY; MYOPATHY, PROXIMAL, WITH EARLY RESPIRATORY MUSCLE INVOLVEMENT; Myopathy, distal, with early respiratory failure, autosomal dominant; Hereditary myopathy with early respiratory failure. Identifiers: Orphanet 178464, Orphanet 34521, MedGen C1863599, MONDO:0011362, OMIM 603689.
Early-onset myopathy with fatal cardiomyopathy (CMYO5). Also called: CONGENITAL MYOPATHY 5 WITH CARDIOMYOPATHY; Salih Myopathy. Identifiers: Orphanet 289377, MedGen C2673677, MONDO:0012714, OMIM 611705. Disease mechanism: loss of function.
Hypertrophic cardiomyopathy 9. Also called: Familial hypertrophic cardiomyopathy 9. Identifiers: MedGen C1861065, MONDO:0013412, OMIM 613765.
Tibial muscular dystrophy (TMD). Also called: UDD MYOPATHY; Tibial muscular dystrophy, tardive; Udd Distal Myopathy – Tibial Muscular Dystrophy. Identifiers: Orphanet 609, MedGen C1838244, MONDO:0010870, OMIM 600334.

Allele frequency attached by ClinVar (database versions not stated): gnomAD exomes below 0.00001 and 0.00001; ExAC 0.00001; gnomAD 0.00001; TOPMed 0.00001.
gnomAD v4.1: 15 of 1,613,102 alleles (0.00093%); highest among the groups gnomAD compares: Non-Finnish European, 0.0012%; no homozygotes.

Submissions (4):

GeneDx
Classification: Uncertain significance. Last evaluated: 2024-10-23. Review status: criteria provided, single submitter. Criteria: GeneDx Variant Classification Process June 2021. Collection method: clinical testing. Allele origin: germline. Affected: yes.
Comment: Not observed at significant frequency in large population cohorts (gnomAD); Missense variant in a gene in which most reported pathogenic variants are truncating/loss of function; Has not been previously published as pathogenic or benign to our knowledge

Fulgent Genetics
Classification: Uncertain significance for Tibial muscular dystrophy; Myopathy, myofibrillar, 9, with early respiratory failure; Dilated cardiomyopathy 1G; Autosomal recessive limb-girdle muscular dystrophy type 2J; Early-onset myopathy with fatal cardiomyopathy; Hypertrophic cardiomyopathy 9. Last evaluated: 2024-05-20. Review status: criteria provided, single submitter. Criteria: ACMG Guidelines, 2015. Collection method: clinical testing. Allele origin: germline.

Revvity Omics, Revvity
Classification: Uncertain significance. Last evaluated: 2019-06-26. Review status: criteria provided, single submitter. Criteria: ACMG Guidelines, 2015. Collection method: clinical testing. Allele origin: germline.

Labcorp Genetics (formerly Invitae), Labcorp
Classification: Uncertain significance for Dilated cardiomyopathy 1G; Autosomal recessive limb-girdle muscular dystrophy type 2J. Last evaluated: 2017-12-04. Review status: criteria provided, single submitter. Criteria: Invitae Variant Classification Sherloc (09022015). Collection method: clinical testing. Allele origin: germline.